The following is an entry in ClinVar:

ClinVar aggregate classification (germline): Pathogenic. Review status: criteria provided, multiple submitters, no conflicts (2 of 4 stars). 6 submissions from 6 submitters: Pathogenic (5). 1 of the submissions does not count toward it. Last evaluated 2024-08-13.

Conditions:
Pulmonary hypertension, neonatal, susceptibility to (PHN). Identifiers: MedGen C3714958, MONDO:0014151, OMIM 615371.
Congenital hyperammonemia, type I. Also called: Carbamoyl-phosphate synthase I deficiency; Carbamoyl phosphate synthetase 1 deficiency; Hyperammonemia due to carbamoyl phosphate synthetase 1 deficiency; CPS 1 deficiency; Carbamyl phosphate synthetase (CPS) deficiency; CPS I DEFICIENCY. Identifiers: Orphanet 147, MedGen C4082171, MONDO:0009376, OMIM 237300.

Allele frequency attached by ClinVar (database versions not stated): gnomAD 0.00001; gnomAD exomes 0.00001; TOPMed 0.00002.
gnomAD v4.1: 18 of 1,611,864 alleles (0.0011%); highest among the groups gnomAD compares: Non-Finnish European, 0.0014%; no homozygotes.

Submissions (6):

Labcorp Genetics (formerly Invitae), Labcorp
Classification: Pathogenic for Congenital hyperammonemia, type I. Last evaluated: 2024-08-13. Review status: criteria provided, single submitter. Criteria: Invitae Variant Classification Sherloc (09022015). Collection method: clinical testing. Allele origin: germline.
Comment: This sequence change creates a premature translational stop signal (p.Arg787*) in the CPS1 gene. It is expected to result in an absent or disrupted protein product. Loss-of-function variants in CPS1 are known to be pathogenic (PMID: 21120950). This variant is present in population databases (rs121912596, gnomAD 0.007%). This premature translational stop signal has been observed in individual(s) with carbamoyl phosphate synthetase I deficiency (PMID: 17310273). ClinVar contains an entry for this variant (Variation ID: 2426). For these reasons, this variant has been classified as Pathogenic.

Natera, Inc.
Classification: Pathogenic for Carbamoyl-phosphate synthase I deficiency. Last evaluated: 2024-07-19. Review status: criteria provided, single submitter. Criteria: Natera Variant Classification Schema (03/2026). Collection method: clinical testing. Allele origin: germline.
Comment: The c.2359C>T variant in CPS1 is a nonsense variant predicted to introduce a stop codon at amino acid 787. This variant is expected to result in nonsense mediated decay, truncation, or a dysfunctional protein product. This variant is rare in the general population with a frequency below the threshold expected for the associated phenotype(s). This variant has been observed in one or more individuals affected with the associated recessive disease, as either homozygous or compound heterozygous with a second variant (PMID: 17310273, 11388595). Given the available evidence, this variant is classified as Pathogenic.

Genomic Medicine Center of Excellence, King Faisal Specialist Hospital and Research Centre
Classification: Pathogenic for Congenital hyperammonemia, type I. Last evaluated: 2024-04-04. Review status: criteria provided, single submitter. Criteria: ACMG Guidelines, 2015. Collection method: clinical testing. Allele origin: germline.

Baylor Genetics
Classification: Pathogenic for Pulmonary hypertension, neonatal, susceptibility to. Last evaluated: 2023-11-19. Review status: criteria provided, single submitter. Criteria: ACMG Guidelines, 2015. Collection method: clinical testing. Allele origin: unknown.

Women's Health and Genetics/Laboratory Corporation of America, LabCorp
Classification: Pathogenic for Carbamoyl-phosphate synthetase 1 deficiency. Last evaluated: 2020-09-28. Review status: criteria provided, single submitter. Criteria: LabCorp Variant Classification Summary - May 2015. Collection method: clinical testing. Allele origin: germline.
Comment: Variant summary: CPS1 c.2359C>T (p.Arg787X) results in a premature termination codon, predicted to cause a truncation of the encoded protein or absence of the protein due to nonsense mediated decay, which are commonly known mechanisms for disease. The variant allele was found at a frequency of 8e-06 in 250790 control chromosomes (gnomAD). c.2359C>T has been reported in the literature in multiple individuals (compound heterozygous and homozygous) affected with Carbamoylphosphate Synthetase I Deficiency (Yamaguchi_2016, Kurokawa_2007, Rapp_2001). These data indicate that the variant is very likely to be associated with disease. No liver enzymatic activity was detected in a patient who was homozygous for this variant (Rapp_2001). No clinical diagnostic laboratories have submitted clinical-significance assessments for this variant to ClinVar after 2014. Based on the evidence outlined above, the variant was classified as pathogenic.

OMIM
Classification: Pathogenic for CARBAMOYL PHOSPHATE SYNTHETASE I DEFICIENCY. Last evaluated: 2007-01-01. Review status: no assertion criteria provided. Collection method: literature only. Allele origin: germline. Not counted in ClinVar's aggregate classification.

Literature cited by the submitters: PubMed 21120950 (cited by Labcorp Genetics (formerly Invitae), Labcorp and Women's Health and Genetics/Laboratory Corporation of America, LabCorp); PubMed 17310273 (cited by 4 submitters); PubMed 11388595 (cited by Natera, Inc. and Women's Health and Genetics/Laboratory Corporation of America, LabCorp); PubMed 27150549 (cited by Women's Health and Genetics/Laboratory Corporation of America, LabCorp).

NM_001875.5(CPS1):c.2359C>T (p.Arg787Ter)

Gene: CPS1 (carbamoyl-phosphate synthase 1; plus strand). Cytogenetic location: 2q34.
Variant type: single nucleotide variant.
Coding change: c.2359C>T on transcript NM_001875.5 (MANE Select); coding-DNA position 2359, C replaced by T.
Protein change: p.Arg787Ter; replaces arginine 787 with a stop codon.
Molecular consequence: nonsense. On other transcripts: non-coding transcript variant (2).
Genome position (GRCh38, 1-based): chr2:210,608,527, C>T. VCF-style: chr2-210608527-C-T. GRCh37 (hg19) VCF-style: chr2-211473251-C-T.
Other names: c.2359C>T, p.Arg787Ter (LRG_336t1, NM_001122633.3, NM_001369257.1); c.2392C>T, p.Arg798Ter (NM_001369256.1); short protein forms R787*, R798*.
Identifiers: ClinVar variation 2426 (VCV000002426.13), dbSNP rs121912596, ClinGen allele CA115539.